The following is an entry in ClinVar:

ClinVar aggregate classification (germline): Uncertain significance. Review status: criteria provided, multiple submitters, no conflicts (2 of 4 stars). 2 submissions from 2 submitters: Uncertain significance (2). Last evaluated 2025-09-21.

Conditions:
Familial cancer of breast. Also called: Hereditary breast cancer; BREAST CANCER, FAMILIAL; hereditary breast carcinoma. Identifiers: Orphanet 227535, MedGen C0346153, MONDO:0016419, OMIM 114480. Disease mechanism: loss of function.
Hereditary cancer-predisposing syndrome. Also called: Hereditary Cancer Syndrome; Neoplastic Syndromes, Hereditary; Tumor predisposition; Hereditary neoplastic syndrome. Identifiers: Orphanet 140162, MedGen C0027672, MeSH D009386, MONDO:0015356.

Submissions (2):

Labcorp Genetics (formerly Invitae), Labcorp
Classification: Uncertain significance for Familial cancer of breast. Last evaluated: 2025-09-21. Review status: criteria provided, single submitter. Criteria: Invitae Variant Classification Sherloc (09022015). Collection method: clinical testing. Allele origin: germline.
Comment: This sequence change replaces serine, which is neutral and polar, with asparagine, which is neutral and polar, at codon 186 of the BARD1 protein (p.Ser186Asn). This variant is not present in population databases (gnomAD no frequency). This variant has not been reported in the literature in individuals affected with BARD1-related conditions. ClinVar contains an entry for this variant (Variation ID: 489674). An algorithm developed to predict the effect of missense changes on protein structure and function (PolyPhen-2) suggests that this variant is likely to be tolerated. Algorithms developed to predict the effect of sequence changes on RNA splicing suggest that this variant may create or strengthen a splice site. In summary, the available evidence is currently insufficient to determine the role of this variant in disease. Therefore, it has been classified as a Variant of Uncertain Significance.

Color Diagnostics, LLC DBA Color Health
Classification: Uncertain significance for Hereditary cancer-predisposing syndrome. Last evaluated: 2019-03-19. Review status: criteria provided, single submitter. Criteria: ACMG Guidelines, 2015. Collection method: clinical testing. Allele origin: germline.

NM_000465.4(BARD1):c.557G>A (p.Ser186Asn)

Gene: BARD1 (BRCA1 associated RING domain 1; minus strand). Cytogenetic location: 2q35.
Variant type: single nucleotide variant.
Coding change: c.557G>A on transcript NM_000465.4 (MANE Select); coding-DNA position 557, G replaced by A.
Protein change: p.Ser186Asn; replaces serine 186 with asparagine.
Molecular consequence: missense variant. On other transcripts: non-coding transcript variant (2), intron variant (3).
Genome position (GRCh38, 1-based): chr2:214,781,317, C>T on the plus strand (G>A on the coding strand, the complement: BARD1 is on the minus strand). VCF-style: chr2-214781317-C-T. GRCh37 (hg19) VCF-style: chr2-215646041-C-T.
Other names: c.500G>A, p.Ser167Asn (NM_001282543.2); c.158+28095G>A (NM_001282548.2); c.215+15744G>A (NM_001282545.2); c.364+10980G>A (NM_001282549.2); short protein forms S186N, S167N.
Identifiers: ClinVar variation 489674 (VCV000489674.9), dbSNP rs1553622620, ClinGen allele CA350457396.
Genomic context (GRCh38, chr2:214,781,317, plus strand): 5'-TGCTTTTTTCCAGATCTTGCAGAAGCCTTTTTAGCCCTCTCAGAAACATCTGCAGGAGGA[C>T]TTGGGGAAACAAATTCATATGAGTCTTGCTGAGCACTTGCATCTTTTTTTATTGCAGGCT-3'
Protein context (NP_000456.2, residues 176-196): QQDSYEFVSP[Ser186Asn]PPADVSERAK